The following is an entry in ClinVar:

ClinVar aggregate classification (germline): Pathogenic (1 of 4 stars; one submission).

Conditions:
Erythrocytosis, familial, 3 (ECYT3). Identifiers: Orphanet 247511, MedGen C1853286, MONDO:0012353, OMIM 609820.

Submission:

Labcorp Genetics (formerly Invitae), Labcorp
Classification: Pathogenic for Erythrocytosis, familial, 3. Last evaluated: 2025-07-14. Review status: criteria provided, single submitter. Criteria: Invitae Variant Classification Sherloc (09022015). Collection method: clinical testing. Allele origin: germline.
Comment: This sequence change creates a premature translational stop signal (p.Pro378Glnfs*9) in the EGLN1 gene. It is expected to result in an absent or disrupted protein product. Loss-of-function variants in EGLN1 are known to be pathogenic (PMID: 17933562, 21933857). This variant is not present in population databases (gnomAD no frequency). This variant has not been reported in the literature in individuals affected with EGLN1-related conditions. For these reasons, this variant has been classified as Pathogenic.

Literature cited by the submitters: PubMed 17933562; PubMed 21933857.

NM_022051.3(EGLN1):c.1133del (p.Pro378fs)

Gene: EGLN1 (egl-9 family hypoxia inducible factor 1; minus strand). Cytogenetic location: 1q42.2.
Variant type: Deletion.
Coding change: c.1133del on transcript NM_022051.3 (MANE Select); coding-DNA position 1133, one base deleted (C; older notation c.1133delC).
Protein change: p.Pro378fs; shifts the reading frame from proline 378.
Molecular consequence: frameshift variant. On other transcripts: intron variant (1).
Genome position (GRCh38, 1-based): chr1:231,370,577, G deleted on the plus strand (C on the coding strand, the reverse complement: EGLN1 is on the minus strand); the first of 2 consecutive G bases (chr1:231,370,577-231,370,578); deleting either gives the same sequence. VCF-style (leftmost placement, unchanged base first): chr1-231370576-TG-T. GRCh37 (hg19) VCF-style: chr1-231506322-TG-T.
Other names: c.1133del, p.Pro378fs (NM_001377260.1); c.1012-2941del (NM_001377261.1); short protein forms P378fs.
Identifiers: ClinVar variation 4723205 (VCV004723205.1).